The following is an entry in ClinVar:

NM_004612.4(TGFBR1):c.700T>C (p.Phe234Leu)

Gene: TGFBR1 (transforming growth factor beta receptor 1; plus strand). Cytogenetic location: 9q22.33.
Variant type: single nucleotide variant.
Coding change: c.700T>C on transcript NM_004612.4 (MANE Select); coding-DNA position 700, T replaced by C.
Protein change: p.Phe234Leu; replaces phenylalanine 234 with leucine.
Molecular consequence: missense variant.
Genome position (GRCh38, 1-based): chr9:99,137,984, T>C. VCF-style: chr9-99137984-T-C. GRCh37 (hg19) VCF-style: chr9-101900266-T-C.
Other names: c.469T>C, p.Phe157Leu (NM_001130916.3); c.712T>C, p.Phe238Leu (NM_001306210.2); short protein forms F234L, F157L, F238L.
Identifiers: ClinVar variation 408572 (VCV000408572.14), dbSNP rs1060502046, ClinGen allele CA16612911.

ClinVar aggregate classification (germline): Pathogenic/Likely pathogenic. Review status: criteria provided, multiple submitters, no conflicts (2 of 4 stars). 3 submissions from 3 submitters: Pathogenic (1); Likely pathogenic (2). Last evaluated 2021-04-22.

Conditions:
TGFBR1-related disorder. Also called: TGFBR1-related condition.
Familial aortopathy. Identifiers: MedGen CN078214.
Familial thoracic aortic aneurysm and aortic dissection (TAAD). Also called: Thoracic aortic aneurysms and dissections. Identifiers: Orphanet 91387, MedGen C4707243, MONDO:0019625.

Submissions (3):

Labcorp Genetics (formerly Invitae), Labcorp
Classification: Pathogenic for Familial thoracic aortic aneurysm and aortic dissection. Last evaluated: 2021-04-22. Review status: criteria provided, single submitter. Criteria: Invitae Variant Classification Sherloc (09022015). Collection method: clinical testing. Allele origin: germline.
Comment: For these reasons, this variant has been classified as Pathogenic. Algorithms developed to predict the effect of missense changes on protein structure and function are either unavailable or do not agree on the potential impact of this missense change (SIFT: "Deleterious"; PolyPhen-2: "Probably Damaging"; Align-GVGD: "Class C15"). This variant has been observed in individual(s) with TGFBR1-related disease (PMID: 16928994, 26848186; Invitae). It has also been observed to segregate with disease in related individuals. ClinVar contains an entry for this variant (Variation ID: 408572). This variant is not present in population databases (ExAC no frequency). This sequence change replaces phenylalanine with leucine at codon 234 of the TGFBR1 protein (p.Phe234Leu). The phenylalanine residue is highly conserved and there is a small physicochemical difference between phenylalanine and leucine.

Women's Health and Genetics/Laboratory Corporation of America, LabCorp
Classification: Likely pathogenic for Familial aortopathy. Last evaluated: 2020-01-30. Review status: criteria provided, single submitter. Criteria: LabCorp Variant Classification Summary - May 2015. Collection method: clinical testing. Allele origin: germline.
Comment: Variant summary: TGFBR1 c.700T>C (p.Phe234Leu) results in a non-conservative amino acid change located in the Protein kinase domain (IPR000719) of the encoded protein sequence. Five of five in-silico tools predict a damaging effect of the variant on protein function. The variant was absent in 251102 control chromosomes (gnomAD). p.Phe234Leu has been reported in the literature in individuals and families affected with Aortopathy/Loeys-Dietz Syndrome (e.g. Frischmeyer-Guerrerio_2013, Jondeau_2016, Loeys_2006, Teixido-Tura_2016, Universal Mutation Database). These data indicate that the variant is likely to be associated with disease. To our knowledge, no experimental evidence demonstrating an impact on protein function has been reported. A ClinVar submitter (evaluation after 2014) cites the variant as uncertain significance. Based on the evidence outlined above, the variant was classified as likely pathogenic.

Blueprint Genetics
Classification: Likely pathogenic for TGFBR1-related disorders. Last evaluated: 2019-09-18. Review status: criteria provided, single submitter. Criteria: ACMG Guidelines, 2015. Collection method: clinical testing. Allele origin: germline. Affected: yes. Observed: 1 variant allele.

Literature cited by the submitters: PubMed 16928994 (cited by Labcorp Genetics (formerly Invitae), Labcorp and Women's Health and Genetics/Laboratory Corporation of America, LabCorp); PubMed 26848186 (cited by Labcorp Genetics (formerly Invitae), Labcorp and Women's Health and Genetics/Laboratory Corporation of America, LabCorp); PubMed 23884466 (cited by Women's Health and Genetics/Laboratory Corporation of America, LabCorp); PubMed 27879313 (cited by Women's Health and Genetics/Laboratory Corporation of America, LabCorp).